The following is an entry in ClinVar:

NM_001257291.2(SLC9A7):c.153C>T (p.Ser51=)

Gene: SLC9A7 (solute carrier family 9 member A7; minus strand). Cytogenetic location: Xp11.3.
Variant type: single nucleotide variant.
Coding change: c.153C>T on transcript NM_001257291.2 (MANE Select); coding-DNA position 153, C replaced by T.
Protein change: p.Ser51=; no amino-acid change (serine 51 retained).
Molecular consequence: synonymous variant.
Genome position (GRCh38, 1-based): chrX:46,758,877, G>A on the plus strand (C>T on the coding strand, the complement: SLC9A7 is on the minus strand). VCF-style: chrX-46758877-G-A. GRCh37 (hg19) VCF-style: chrX-46618312-G-A.
Other names: c.153C>T, p.Ser51= (NM_032591.3).
Identifiers: ClinVar variation 3778473 (VCV003778473.7).

ClinVar aggregate classification (germline): Likely benign (1 of 4 stars; one submission).

Submission:

CeGaT Center for Human Genetics Tuebingen
Classification: Likely benign. Last evaluated: 2025-03-01. Review status: criteria provided, single submitter. Criteria: CeGaT Center For Human Genetics Tuebingen Variant Classification Criteria Version 2. Collection method: clinical testing. Allele origin: germline. Affected: yes. Observed: 1 variant allele.
Comment: SLC9A7: PM2:Supporting, BP4, BP7